The following is an entry in ClinVar:

ClinVar aggregate classification (germline): Uncertain significance (1 of 4 stars; one submission).

Conditions:
Severe combined immunodeficiency due to CORO1A deficiency. Also called: Immunodeficiency 8; IMMUNODEFICIENCY 8 WITH LYMPHOPROLIFERATION. Identifiers: Orphanet 228003, MedGen C3809383, MONDO:0014168, OMIM 615401.

gnomAD v4.1: 1 of 1,611,678 alleles (0.000062%); highest among the groups gnomAD compares: South Asian, 0.0011%; no homozygotes.

Submission:

Labcorp Genetics (formerly Invitae), Labcorp
Classification: Uncertain significance for Severe combined immunodeficiency due to CORO1A deficiency. Last evaluated: 2022-03-13. Review status: criteria provided, single submitter. Criteria: Invitae Variant Classification Sherloc (09022015). Collection method: clinical testing. Allele origin: germline.
Comment: This variant has not been reported in the literature in individuals affected with CORO1A-related conditions. Variants that disrupt the consensus splice site are a relatively common cause of aberrant splicing (PMID: 17576681, 9536098). Algorithms developed to predict the effect of sequence changes on RNA splicing suggest that this variant is not likely to affect RNA splicing. In summary, the available evidence is currently insufficient to determine the role of this variant in disease. Therefore, it has been classified as a Variant of Uncertain Significance. This variant is present in population databases (no rsID available, gnomAD 0.003%). This sequence change falls in intron 3 of the CORO1A gene. It does not directly change the encoded amino acid sequence of the CORO1A protein. It affects a nucleotide within the consensus splice site.

Literature cited by the submitters: PubMed 17576681; PubMed 9536098.

NM_007074.4(CORO1A):c.321+5G>A

Gene: CORO1A (coronin 1A; plus strand). Cytogenetic location: 16p11.2.
Variant type: single nucleotide variant.
Coding change: c.321+5G>A on transcript NM_007074.4 (MANE Select); 5 bases into the intron after coding-DNA position 321, G replaced by A.
Molecular consequence: intron variant.
Genome position (GRCh38, 1-based): chr16:30,186,725, G>A. VCF-style: chr16-30186725-G-A. GRCh37 (hg19) VCF-style: chr16-30198046-G-A.
Other names: c.321+5G>A (NM_001193333.3).
Identifiers: ClinVar variation 2110773 (VCV002110773.4), dbSNP rs1240726423, ClinGen allele CA621826689.